The following is an entry in ClinVar:

NM_000059.4(BRCA2):c.682-5del

Gene: BRCA2 (BRCA2 DNA repair associated; plus strand). Cytogenetic location: 13q13.1.
Variant type: Deletion.
Coding change: c.682-5del on transcript NM_000059.4 (MANE Select); 5 bases into the intron before coding-DNA position 682, one base deleted (T; older notation c.682-5delT).
Molecular consequence: intron variant.
Genome position (GRCh38, 1-based): chr13:32,330,914, T deleted; the last of 5 consecutive T bases (chr13:32,330,910-32,330,914); deleting any one gives the same sequence. VCF-style (leftmost placement, unchanged base first): chr13-32330909-AT-A. GRCh37 (hg19) VCF-style: chr13-32905046-AT-A.
Other names: c.682-5delT (NM_000059.4).
Identifiers: ClinVar variation 2001317 (VCV002001317.5), dbSNP rs2548517838, ClinGen allele CA2580087063.
Genomic context (GRCh38, chr13:32,330,909, plus strand): 5'-AAGGGGGGACTACTACTATATGTGCATTGAGAGTTTTTATACTAGTGATTTTAAACTATA[AT>A]TTTTGCAGAATGTGAAAAGCTATTTTTCCAATCATGATGAAAGTCTGAAGAAAAATGATA-3'

ClinVar aggregate classification (germline): Likely benign (1 of 4 stars; one submission).
ClinVar aggregate classification (somatic clinical impact): Tier IV - Benign/Likely benign (0 of 4 stars; one submission).

Conditions:
Hereditary breast ovarian cancer syndrome. Also called: Hereditary breast and ovarian cancer syndrome (HBOC); Breast and ovarian cancer; Hereditary breast and/or ovarian cancer syndrome; Hereditary breast and ovarian cancer syndrome; BRCA1- and BRCA2-Associated Hereditary Breast and Ovarian Cancer; Hereditary breast and ovarian cancer. Identifiers: Orphanet 145, MedGen C0677776, MeSH D061325, MONDO:0003582. Disease mechanism: loss of function.
Familial cancer of breast. Also called: BREAST CANCER, FAMILIAL; Hereditary breast cancer; hereditary breast carcinoma. Identifiers: Orphanet 227535, MedGen C0346153, MONDO:0016419, OMIM 114480. Disease mechanism: loss of function.

Submissions (2):

Labcorp Genetics (formerly Invitae), Labcorp
Classification: Likely benign for Hereditary breast ovarian cancer syndrome. Last evaluated: 2022-06-10. Review status: criteria provided, single submitter. Criteria: Invitae Variant Classification Sherloc (09022015). Collection method: clinical testing. Allele origin: germline.

Faculté Pluridciplinaire Nador, Université Mohamed Premier
Classification: Tier IV - Benign/Likely benign for Familial cancer of breast. Review status: no assertion criteria provided. Collection method: research. Allele origin: somatic. Affected: yes.
Comment: The following databases and algorithms are used to annotate and evaluate the impact of the variant in the context of human disease: 1000 genomes, gnomAD, ClinVar, OMIM, dbSNP, NCIB RefSeq Genes, ExAC Gene Constraints, VS-SIFT, VS-PolyPhen2, PhyloP, GERP++, GeneSplicer, MaxEntScan, NNSplice, PWM Splice Predictor.